The following is an entry in ClinVar:

NM_003060.4(SLC22A5):c.596T>C (p.Leu199Pro)

Gene: SLC22A5 (solute carrier family 22 member 5; plus strand). Cytogenetic location: 5q31.1.
Variant type: single nucleotide variant.
Coding change: c.596T>C on transcript NM_003060.4 (MANE Select); coding-DNA position 596, T replaced by C.
Protein change: p.Leu199Pro; replaces leucine 199 with proline.
Molecular consequence: missense variant.
Genome position (GRCh38, 1-based): chr5:132,384,245, T>C. VCF-style: chr5-132384245-T-C. GRCh37 (hg19) VCF-style: chr5-131719937-T-C.
Other names: c.668T>C, p.Leu223Pro (NM_001308122.2); short protein forms L199P, L223P.
Identifiers: ClinVar variation 935824 (VCV000935824.9), dbSNP rs1752446862, ClinGen allele CA360804812.
Genomic context (GRCh38, chr5:132,384,245, plus strand): 5'-TGCAGACAGGCTTCAGCTTCCTGCAGATCTTCTCGAAGAATTTTGAGATGTTTGTCGTGC[T>C]GTTTGTCCTTGTAGGCATGGGCCAGATCTCCAACTATGTGGCAGCATTTGTCCTGGGTAT-3'
Protein context (NP_003051.1, residues 189-209): FSKNFEMFVV[Leu199Pro]FVLVGMGQIS

ClinVar aggregate classification (germline): Uncertain significance (1 of 4 stars; one submission).

Conditions:
Renal carnitine transport defect (CDSP). Also called: Carnitine transporter deficiency; Carnitine Deficiency, Systemic; Systemic primary carnitine deficiency disease; CARNITINE DEFICIENCY, SYSTEMIC, DUE TO DEFECT IN RENAL REABSORPTION OF CARNITINE; CARNITINE TRANSPORTER, PLASMA-MEMBRANE, DEFICIENCY OF; CARNITINE UPTAKE DEFECT. Identifiers: Orphanet 158, MedGen C0342788, MONDO:0008919, OMIM 212140.

Submission:

Labcorp Genetics (formerly Invitae), Labcorp
Classification: Uncertain significance for Renal carnitine transport defect. Last evaluated: 2019-09-12. Review status: criteria provided, single submitter. Criteria: Invitae Variant Classification Sherloc (09022015). Collection method: clinical testing. Allele origin: germline.
Comment: In summary, the available evidence is currently insufficient to determine the role of this variant in disease. Therefore, it has been classified as a Variant of Uncertain Significance. Algorithms developed to predict the effect of missense changes on protein structure and function (SIFT, PolyPhen-2, Align-GVGD) all suggest that this variant is likely to be disruptive, but these predictions have not been confirmed by published functional studies and their clinical significance is uncertain. This variant has not been reported in the literature in individuals with SLC22A5-related conditions. This variant is not present in population databases (ExAC no frequency). This sequence change replaces leucine with proline at codon 199 of the SLC22A5 protein (p.Leu199Pro). The leucine residue is moderately conserved and there is a moderate physicochemical difference between leucine and proline.